The following is an entry in ClinVar:

NM_001113378.2(FANCI):c.199A>G (p.Lys67Glu)

Gene: FANCI (FA complementation group I; plus strand). Cytogenetic location: 15q26.1.
Variant type: single nucleotide variant.
Coding change: c.199A>G on transcript NM_001113378.2 (MANE Select); coding-DNA position 199, A replaced by G.
Protein change: p.Lys67Glu; replaces lysine 67 with glutamic acid.
Molecular consequence: missense variant. On other transcripts: 5 prime UTR variant (1).
Genome position (GRCh38, 1-based): chr15:89,260,754, A>G. VCF-style: chr15-89260754-A-G. GRCh37 (hg19) VCF-style: chr15-89803985-A-G.
Other names: c.-81A>G (NM_001376910.1); c.199A>G, p.Lys67Glu (NM_001376911.1, NM_018193.3); short protein forms K67E.
Identifiers: ClinVar variation 1495537 (VCV001495537.8), dbSNP rs748834576, ClinGen allele CA7722532.

ClinVar aggregate classification (germline): Uncertain significance (1 of 4 stars; one submission).

Conditions:
Fanconi anemia (FA). Also called: Fanconi's anemia. Identifiers: Orphanet 84, MedGen C0015625, MeSH D005199, MONDO:0019391.

Allele frequency attached by ClinVar (database versions not stated): gnomAD exomes below 0.00001; ExAC 0.00001.
gnomAD v4.1: 1 of 1,614,068 alleles (0.000062%); highest among the groups gnomAD compares: Non-Finnish European, 0.000085%; no homozygotes.

Submission:

Labcorp Genetics (formerly Invitae), Labcorp
Classification: Uncertain significance for Fanconi anemia. Last evaluated: 2022-07-25. Review status: criteria provided, single submitter. Criteria: Invitae Variant Classification Sherloc (09022015). Collection method: clinical testing. Allele origin: germline.
Comment: This sequence change replaces lysine, which is basic and polar, with glutamic acid, which is acidic and polar, at codon 67 of the FANCI protein (p.Lys67Glu). This variant is present in population databases (rs748834576, gnomAD 0.0009%). In summary, the available evidence is currently insufficient to determine the role of this variant in disease. Therefore, it has been classified as a Variant of Uncertain Significance. Algorithms developed to predict the effect of missense changes on protein structure and function (SIFT, PolyPhen-2, Align-GVGD) all suggest that this variant is likely to be tolerated. ClinVar contains an entry for this variant (Variation ID: 1495537). This variant has not been reported in the literature in individuals affected with FANCI-related conditions.